The following is an entry in ClinVar:

NM_016222.4(DDX41):c.299-3C>T

Gene: DDX41 (DEAD-box helicase 41; minus strand). Cytogenetic location: 5q35.3.
Variant type: single nucleotide variant.
Coding change: c.299-3C>T on transcript NM_016222.4 (MANE Select); 3 bases into the intron before coding-DNA position 299, C replaced by T.
Molecular consequence: intron variant.
Genome position (GRCh38, 1-based): chr5:177,516,196, G>A on the plus strand (C>T on the coding strand, the complement: DDX41 is on the minus strand). VCF-style: chr5-177516196-G-A. GRCh37 (hg19) VCF-style: chr5-176943197-G-A.
Other names: c.299-3C>T (NM_016222.2); c.-80-3C>T (NM_001321830.2, NM_001321732.2).
Identifiers: ClinVar variation 1338209 (VCV001338209.10), dbSNP rs758614565, ClinGen allele CA3585263.

ClinVar aggregate classification (germline): Conflicting classifications of pathogenicity. Review status: criteria provided, conflicting classifications (1 of 4 stars). 3 submissions from 3 submitters: Uncertain significance (2); Likely benign (1). Last evaluated 2026-03-20.

Conditions:
Inborn genetic diseases. Identifiers: MedGen C0950123, MeSH D030342.

Allele frequency attached by ClinVar (database versions not stated): TOPMed 0.00001; gnomAD exomes 0.00001; ExAC 0.00002.
gnomAD v4.1: 20 of 1,614,118 alleles (0.0012%); highest among the groups gnomAD compares: Middle Eastern, 0.016%; no homozygotes.

Submissions (3):

Ambry Genetics
Classification: Likely benign for Inborn genetic diseases. Last evaluated: 2026-03-20. Review status: criteria provided, single submitter. Criteria: Ambry Variant Classification Scheme 2023. Collection method: clinical testing. Allele origin: germline.

Labcorp Genetics (formerly Invitae), Labcorp
Classification: Uncertain significance. Last evaluated: 2023-10-16. Review status: criteria provided, single submitter. Criteria: Invitae Variant Classification Sherloc (09022015). Collection method: clinical testing. Allele origin: germline.
Comment: This sequence change falls in intron 3 of the DDX41 gene. It does not directly change the encoded amino acid sequence of the DDX41 protein. It affects a nucleotide within the consensus splice site. This variant is present in population databases (rs758614565, gnomAD 0.003%). This variant has not been reported in the literature in individuals affected with DDX41-related conditions. ClinVar contains an entry for this variant (Variation ID: 1338209). Variants that disrupt the consensus splice site are a relatively common cause of aberrant splicing (PMID: 17576681, 9536098). Algorithms developed to predict the effect of sequence changes on RNA splicing suggest that this variant is not likely to affect RNA splicing. In summary, the available evidence is currently insufficient to determine the role of this variant in disease. Therefore, it has been classified as a Variant of Uncertain Significance.

Genetic Services Laboratory, University of Chicago
Classification: Uncertain significance. Last evaluated: 2022-01-10. Review status: criteria provided, single submitter. Criteria: ACMG Guidelines, 2015. Collection method: clinical testing. Allele origin: germline. Affected: no.
Comment: DNA sequence analysis of the DDX41 gene demonstrated a sequence change in intron 3, c.299-3C>T. This change does not appear to have been previously described in individuals with DDX41-related disorders. This sequence change has been described in the gnomAD database in three individuals which corresponds to a population frequency of 0.0012% (dbSNP rs758614565). This sequence change is not predicted to have a deleterious effect on splicing based on in-silico splice prediction programs. It is possible that this sequence change represents a benign sequence change in the DDX41 gene that has not been identified to date. The functional significance of this sequence change is not known at present and its contribution to this individual's disease phenotype cannot definitively be determined.

Literature cited by the submitters: PubMed 17576681 (cited by Labcorp Genetics (formerly Invitae), Labcorp); PubMed 9536098 (cited by Labcorp Genetics (formerly Invitae), Labcorp).